The following is an entry in ClinVar:

NM_000038.6(APC):c.4589A>C (p.Glu1530Ala)

Gene: APC (APC regulator of Wnt signaling pathway; plus strand). Cytogenetic location: 5q22.2.
Variant type: single nucleotide variant.
Coding change: c.4589A>C on transcript NM_000038.6 (MANE Select); coding-DNA position 4589, A replaced by C.
Protein change: p.Glu1530Ala; replaces glutamic acid 1530 with alanine.
Molecular consequence: missense variant. On other transcripts: non-coding transcript variant (2).
Genome position (GRCh38, 1-based): chr5:112,840,183, A>C. VCF-style: chr5-112840183-A-C. GRCh37 (hg19) VCF-style: chr5-112175880-A-C.
Other names: c.4589A>C, p.Glu1530Ala (NM_001127510.3, NM_001354895.2, NM_001407450.1); c.4535A>C, p.Glu1512Ala (NM_001127511.3); c.4643A>C, p.Glu1548Ala (NM_001354896.2, NM_001407447.1, NM_001407448.1 and 1 more transcripts); c.4619A>C, p.Glu1540Ala (NM_001354897.2); c.4514A>C, p.Glu1505Ala (NM_001354898.2); c.4505A>C, p.Glu1502Ala (NM_001354899.2); c.4466A>C, p.Glu1489Ala (NM_001354900.2); c.4412A>C, p.Glu1471Ala (NM_001354901.2, NM_001407453.1); and 11 more; short protein forms E1146A, E1247A, E1370A, E1401A, E1404A, E1429A, E1439A, E1447A.
Identifiers: ClinVar variation 3230531 (VCV003230531.1), dbSNP rs2149918334, ClinGen allele CA16031380.
Genomic context (GRCh38, chr5:112,840,183, plus strand): 5'-GCCTCGATGAGCCATTTATACAGAAAGATGTGGAATTAAGAATAATGCCTCCAGTTCAGG[A>C]AAATGACAATGGGAATGAAACAGAATCAGAGCAGCCTAAAGAATCAAATGAAAACCAAGA-3'
Protein context (NP_000029.2, residues 1520-1540): VELRIMPPVQ[Glu1530Ala]NDNGNETESE

ClinVar aggregate classification (germline): Uncertain significance (1 of 4 stars; one submission).

Conditions:
Hereditary cancer-predisposing syndrome. Also called: Neoplastic Syndromes, Hereditary; Tumor predisposition; Hereditary neoplastic syndrome; Hereditary Cancer Syndrome. Identifiers: Orphanet 140162, MedGen C0027672, MeSH D009386, MONDO:0015356.

Submission:

Ambry Genetics
Classification: Uncertain significance for Hereditary cancer-predisposing syndrome. Last evaluated: 2023-10-29. Review status: criteria provided, single submitter. Criteria: Ambry Variant Classification Scheme 2023. Collection method: clinical testing. Allele origin: germline.
Comment: The p.E1530A variant (also known as c.4589A>C), located in coding exon 15 of the APC gene, results from an A to C substitution at nucleotide position 4589. The glutamic acid at codon 1530 is replaced by alanine, an amino acid with dissimilar properties. This amino acid position is conserved. In addition, in silico predictors for this gene do not accurately predict pathogenicity. Since supporting evidence is limited at this time, the clinical significance of this alteration remains unclear.